The following is an entry in ClinVar:

NM_001164508.2(NEB):c.17008A>G (p.Ser5670Gly)

Gene: NEB (nebulin; minus strand). Cytogenetic location: 2q23.3.
Variant type: single nucleotide variant.
Coding change: c.17008A>G on transcript NM_001164508.2 (MANE Select); coding-DNA position 17008, A replaced by G.
Protein change: p.Ser5670Gly; replaces serine 5670 with glycine.
Molecular consequence: missense variant.
Genome position (GRCh38, 1-based): chr2:151,575,700, T>C on the plus strand (A>G on the coding strand, the complement: NEB is on the minus strand). VCF-style: chr2-151575700-T-C. GRCh37 (hg19) VCF-style: chr2-152432214-T-C.
Other names: c.17008A>G, p.Ser5670Gly (NM_001164507.2, NM_001271208.2); c.11905A>G, p.Ser3969Gly (NM_004543.5); short protein forms S5670G, S3969G.
Identifiers: ClinVar variation 4769543 (VCV004769543.1).

ClinVar aggregate classification (germline): Uncertain significance (1 of 4 stars; one submission).

Conditions:
Nemaline myopathy 2 (NEM2). Also called: Nemaline myopathy 2, autosomal recessive. Identifiers: MedGen C1850569, MONDO:0009725, OMIM 256030.

gnomAD v4.1: 1 of 1,585,164 alleles (0.000063%); highest among the groups gnomAD compares: Non-Finnish European, 0.000087%; no homozygotes.

Submission:

Labcorp Genetics (formerly Invitae), Labcorp
Classification: Uncertain significance for Nemaline myopathy 2. Last evaluated: 2025-04-11. Review status: criteria provided, single submitter. Criteria: Invitae Variant Classification Sherloc (09022015). Collection method: clinical testing. Allele origin: germline.
Comment: This sequence change replaces serine, which is neutral and polar, with glycine, which is neutral and non-polar, at codon 5670 of the NEB protein (p.Ser5670Gly). This variant is not present in population databases (gnomAD no frequency). This variant has not been reported in the literature in individuals affected with NEB-related conditions. Experimental studies and prediction algorithms are not available or were not evaluated, and the functional significance of this variant is currently unknown. In summary, the available evidence is currently insufficient to determine the role of this variant in disease. Therefore, it has been classified as a Variant of Uncertain Significance.